The following is an entry in ClinVar:

NM_001199138.2(NLRC4):c.1163G>A (p.Arg388Gln)

Gene: NLRC4 (NLR family CARD domain containing 4; minus strand). Cytogenetic location: 2p22.3.
Variant type: single nucleotide variant.
Coding change: c.1163G>A on transcript NM_001199138.2 (MANE Select); coding-DNA position 1163, G replaced by A.
Protein change: p.Arg388Gln; replaces arginine 388 with glutamine.
Molecular consequence: missense variant. On other transcripts: intron variant (1).
Genome position (GRCh38, 1-based): chr2:32,250,701, C>T on the plus strand (G>A on the coding strand, the complement: NLRC4 is on the minus strand). VCF-style: chr2-32250701-C-T. GRCh37 (hg19) VCF-style: chr2-32475770-C-T.
Other names: p.Arg388Gln; c.1163G>A, p.Arg388Gln (NM_001199139.2, NM_021209.5); c.262+1718G>A (NM_001302504.1); short protein forms R388Q.
Identifiers: ClinVar variation 638828 (VCV000638828.13), dbSNP rs565573487, ClinGen allele CA1602028.

ClinVar aggregate classification (germline): Conflicting classifications of pathogenicity. Review status: criteria provided, conflicting classifications (1 of 4 stars). 3 submissions from 3 submitters: Uncertain significance (2); Likely benign (1). Last evaluated 2025-11-06.

Conditions:
Periodic fever-infantile enterocolitis-autoinflammatory syndrome. Also called: Autoinflammation with infantile enterocolitis. Identifiers: Orphanet 436166, MedGen C4015067, MONDO:0014472, OMIM 616050.
Familial cold autoinflammatory syndrome 4 (FCAS4). Identifiers: Orphanet 47045, Orphanet 576349, MedGen C4015276, MONDO:0014498, OMIM 616115.

Allele frequency attached by ClinVar (database versions not stated): gnomAD 0.00004 and 0.00006; ExAC 0.00016; TOPMed 0.00004; gnomAD exomes 0.00013 and 0.00010; 1000 Genomes Project 30x 0.00016; 1000 Genomes Project 0.00020.
gnomAD v4.1: 199 of 1,614,134 alleles (0.012%); highest among the groups gnomAD compares: Middle Eastern, 0.033%; no homozygotes.

Submissions (3):

Labcorp Genetics (formerly Invitae), Labcorp
Classification: Uncertain significance for Periodic fever-infantile enterocolitis-autoinflammatory syndrome; Familial cold autoinflammatory syndrome 4. Last evaluated: 2025-11-06. Review status: criteria provided, single submitter. Criteria: Invitae Variant Classification Sherloc (09022015). Collection method: clinical testing. Allele origin: germline.
Comment: This sequence change replaces arginine, which is basic and polar, with glutamine, which is neutral and polar, at codon 388 of the NLRC4 protein (p.Arg388Gln). This variant is present in population databases (rs565573487, gnomAD 0.03%). This variant has not been reported in the literature in individuals affected with NLRC4-related conditions. ClinVar contains an entry for this variant (Variation ID: 638828). Invitae Evidence Modeling of protein sequence and biophysical properties (such as structural, functional, and spatial information, amino acid conservation, physicochemical variation, residue mobility, and thermodynamic stability) indicates that this missense variant is not expected to disrupt NLRC4 protein function with a negative predictive value of 80%. In summary, the available evidence is currently insufficient to determine the role of this variant in disease. Therefore, it has been classified as a Variant of Uncertain Significance.

Women's Health and Genetics/Laboratory Corporation of America, LabCorp
Classification: Likely benign. Last evaluated: 2025-10-01. Review status: criteria provided, single submitter. Criteria: LabCorp Variant Classification Summary - May 2015. Collection method: clinical testing. Allele origin: germline.
Comment: Variant summary: NLRC4 c.1163G>A (p.Arg388Gln) results in a conservative amino acid change in the encoded protein sequence. Algorithms developed to predict the effect of missense changes on protein structure and function are either unavailable or do not agree on the potential impact of this missense change. The variant allele was found at a frequency of 0.0001 in 251434 control chromosomes. The observed variant frequency exceeds the estimated maximal expected allele frequency for disease-causing variants in NLRC4. To our knowledge, no occurrence of c.1163G>A in individuals affected with NLRC4-related conditions and no experimental evidence demonstrating its impact on protein function have been reported. ClinVar contains an entry for this variant (Variation ID: 638828). Based on the evidence outlined above, the variant was classified as likely benign.

Mayo Clinic Laboratories, Mayo Clinic
Classification: Uncertain significance. Last evaluated: 2025-09-19. Review status: criteria provided, single submitter. Criteria: ACMG Guidelines, 2015. Collection method: clinical testing. Allele origin: germline. Observed: 1 variant allele.
Comment: BP4_moderate